The following is an entry in ClinVar:

NM_001134407.3(GRIN2A):c.3631_3633del (p.Ser1211del)

Gene: GRIN2A (glutamate ionotropic receptor NMDA type subunit 2A; minus strand). Cytogenetic location: 16p13.2.
Variant type: Deletion.
Coding change: c.3631_3633del on transcript NM_001134407.3 (MANE Select); coding-DNA positions 3631 to 3633, 3 bases deleted (TCC; older notation c.3631_3633delTCC).
Protein change: p.Ser1211del; deletes serine 1211.
Molecular consequence: inframe deletion.
Genome position (GRCh38, 1-based): chr16:9,763,911-9,763,913, GGA deleted on the plus strand (TCC on the coding strand, the reverse complement: GRIN2A is on the minus strand); deleting any 3 consecutive bases within chr16:9,763,911-9,763,914 gives the same sequence; the c. name uses the placement nearest the transcript's 3' end. VCF-style (leftmost placement, unchanged base first): chr16-9763910-TGGA-T. GRCh37 (hg19) VCF-style: chr16-9857767-TGGA-T.
Other names: c.3631_3633del (NM_000833.3); c.3631_3633del, p.Ser1211del (NM_000833.5, NM_001134408.2); short protein forms S1211del.
Identifiers: ClinVar variation 1420849 (VCV001420849.9), dbSNP rs769008155, ClinGen allele CA7896275.

ClinVar aggregate classification (germline): Uncertain significance. Review status: criteria provided, multiple submitters, no conflicts (2 of 4 stars). 2 submissions from 2 submitters: Uncertain significance (2). Last evaluated 2025-04-01.

Conditions:
Landau-Kleffner syndrome (FESD). Also called: APHASIA, ACQUIRED, WITH EPILEPSY; EPILEPSY, FOCAL, WITH SPEECH DISORDER AND WITH OR WITHOUT MENTAL RETARDATION. Identifiers: Orphanet 1945, Orphanet 725, Orphanet 98818, MedGen C0282512, MONDO:0009509, OMIM 245570.

Submissions (2):

GeneDx
Classification: Uncertain significance. Last evaluated: 2025-04-01. Review status: criteria provided, single submitter. Criteria: GeneDx Variant Classification Process June 2021. Collection method: clinical testing. Allele origin: germline. Affected: yes.
Comment: Not observed at significant frequency in large population cohorts (gnomAD); In-frame deletion of 1 amino acid(s) in a non-repeat region; In silico analysis supports a deleterious effect on protein structure/function; Has not been previously published as pathogenic or benign to our knowledge

Labcorp Genetics (formerly Invitae), Labcorp
Classification: Uncertain significance for Landau-Kleffner syndrome. Last evaluated: 2024-02-23. Review status: criteria provided, single submitter. Criteria: Invitae Variant Classification Sherloc (09022015). Collection method: clinical testing. Allele origin: germline.
Comment: This variant, c.3631_3633del, results in the deletion of 1 amino acid(s) of the GRIN2A protein (p.Ser1211del), but otherwise preserves the integrity of the reading frame. This variant is present in population databases (rs769008155, gnomAD 0.002%). This variant has been observed in individual(s) with clinical features of GRIN2A-related conditions (Invitae). This variant has been observed in at least one individual who was not affected with GRIN2A-related conditions (Invitae). ClinVar contains an entry for this variant (Variation ID: 1420849). Experimental studies and prediction algorithms are not available or were not evaluated, and the functional significance of this variant is currently unknown. In summary, the available evidence is currently insufficient to determine the role of this variant in disease. Therefore, it has been classified as a Variant of Uncertain Significance.